The following is an entry in ClinVar:

NM_024719.4(GRTP1):c.466-1543C>T

Gene: GRTP1 (growth hormone regulated TBC protein 1; minus strand). Cytogenetic location: 13q34.
Variant type: single nucleotide variant.
Coding change: c.466-1543C>T on transcript NM_024719.4 (MANE Select); 1543 bases into the intron before coding-DNA position 466, C replaced by T.
Molecular consequence: intron variant.
Genome position (GRCh38, 1-based): chr13:113,346,502, G>A on the plus strand (C>T on the coding strand, the complement: GRTP1 is on the minus strand). VCF-style: chr13-113346502-G-A. GRCh37 (hg19) VCF-style: chr13-114000817-G-A.
Other names: c.466-1543C>T (NM_001286733.1, NM_001286732.2); c.232-1543C>T (NM_001411029.1).
Identifiers: ClinVar variation 2643990 (VCV002643990.24), dbSNP rs867997463, ClinGen allele CA256520056.
Genomic context (GRCh38, chr13:113,346,502, plus strand): 5'-AGGAGGACCTCTGTGGACAAGAGCAGACCCGGGAGGACCTCTGTGCCTGACAGTGGACCC[G>A]GGAGGACCTCTGTGGCAAAGAGCAGACCCGGGAGGACCTCTGTGGCAAAGAGCAGACCCA-3'

ClinVar aggregate classification (germline): Likely benign (1 of 4 stars; one submission).

Allele frequency attached by ClinVar (database versions not stated): gnomAD 0.03554.
gnomAD v4.1: 59 of 1,682 alleles (3.5%); highest among the groups gnomAD compares: African/African-American, 4.4%; 6 homozygotes.

Submission:

CeGaT Center for Human Genetics Tuebingen
Classification: Likely benign. Last evaluated: 2022-12-01. Review status: criteria provided, single submitter. Criteria: CeGaT Center For Human Genetics Tuebingen Variant Classification Criteria Version 2. Collection method: clinical testing. Allele origin: germline. Affected: yes. Observed: 1 variant allele.
Comment: GRTP1: BS2